The following is an entry in ClinVar:

ClinVar aggregate classification (germline): Uncertain significance (1 of 4 stars; one submission).

Submission:

GeneDx
Classification: Uncertain significance. Last evaluated: 2026-02-03. Review status: criteria provided, single submitter. Criteria: GeneDx Variant Classification Process June 2021. Collection method: clinical testing. Allele origin: germline.
Comment: Not observed at significant frequency in large population cohorts (gnomAD); In silico analysis suggests that this missense variant does not alter protein structure/function; Has not been previously published as pathogenic or benign to our knowledge

NM_001379451.1(BCORL1):c.3702C>A (p.Ser1234Arg)

Gene: BCORL1 (BCL6 corepressor like 1; plus strand). Cytogenetic location: Xq26.1.
Variant type: single nucleotide variant.
Coding change: c.3702C>A on transcript NM_001379451.1 (MANE Select); coding-DNA position 3702, C replaced by A.
Protein change: p.Ser1234Arg; replaces serine 1234 with arginine.
Molecular consequence: missense variant. On other transcripts: intron variant (4).
Genome position (GRCh38, 1-based): chrX:130,025,003, C>A. VCF-style: chrX-130025003-C-A. GRCh37 (hg19) VCF-style: chrX-129158978-C-A.
Other names: c.3702C>A, p.Ser1234Arg (NM_001184772.3, NM_001379450.1, NM_001441326.1 and 3 more transcripts); c.3688+2026C>A (NM_001441329.1, NM_001441331.1, NM_001441330.1 and 1 more transcripts); short protein forms S1234R.
Identifiers: ClinVar variation 4975994 (VCV004975994.1).
Genomic context (GRCh38, chrX:130,025,003, plus strand): 5'-GTCCTTTGAAGAAGTACCTGACCATCCTCTGTACATCCCATCCACAGGAAGCATCTGTAG[C>A]TCCTTTGCTGGCATGGCAGACAGTGACATGGGAAGCCAGGAAGTCTTCCCCACAGAAGAA-3'
Protein context (NP_001366380.1, residues 1224-1244): RTRSQSGSIC[Ser1234Arg]SFAGMADSDM